The following is an entry in ClinVar:

ClinVar aggregate classification (germline): Pathogenic. Review status: reviewed by expert panel (3 of 4 stars). 2 submissions from 2 submitters: Pathogenic (1). 1 of the submissions does not count toward it. Last evaluated 2017-12-15.

Conditions:
Breast-ovarian cancer, familial, susceptibility to, 1 (BROVCA1). Also called: OVARIAN CANCER, SUSCEPTIBILITY TO; BRCA1 Hereditary Breast and Ovarian Cancer. Identifiers: Orphanet 145, MedGen C2676676, MONDO:0011450, OMIM 604370. Disease mechanism: loss of function.
Familial cancer of breast. Also called: Hereditary breast cancer; hereditary breast carcinoma; BREAST CANCER, FAMILIAL. Identifiers: Orphanet 227535, MedGen C0346153, MONDO:0016419, OMIM 114480. Disease mechanism: loss of function.

Submissions (2):

Evidence-based Network for the Interpretation of Germline Mutant Alleles (ENIGMA)
Classification: Pathogenic for Breast-ovarian cancer, familial, susceptibility to, 1. Last evaluated: 2017-12-15. Review status: reviewed by expert panel. Criteria: ENIGMA BRCA1/2 Classification Criteria (2017-06-29). Collection method: curation. Allele origin: germline. Study: ENIGMA.
Comment: Variant allele predicted to encode a truncated non-functional protein.

ClinVar Staff, National Center for Biotechnology Information (NCBI)
No classification provided. Condition: Familial cancer of breast. Review status: no classification provided. Collection method: literature only. Allele origin: germline. Affected: yes. Not counted in ClinVar's aggregate classification.

Literature cited by the submitters: PubMed 19087709 (cited by ClinVar Staff, National Center for Biotechnology Information (NCBI)).

NM_007294.4(BRCA1):c.2798_2799del (p.Gly933fs)

Gene: BRCA1 (BRCA1 DNA repair associated; minus strand). Cytogenetic location: 17q21.31.
Variant type: Deletion.
Coding change: c.2798_2799del on transcript NM_007294.4 (MANE Select); coding-DNA positions 2798 to 2799, 2 bases deleted (GT; older notation c.2798_2799delGT).
Protein change: p.Gly933fs; shifts the reading frame from glycine 933.
Molecular consequence: frameshift variant. On other transcripts: intron variant (137).
Genome position (GRCh38, 1-based): chr17:43,092,732-43,092,733, AC deleted on the plus strand (GT on the coding strand, the reverse complement: BRCA1 is on the minus strand). VCF-style (leftmost placement, unchanged base first): chr17-43092731-GAC-G. GRCh37 (hg19) VCF-style: chr17-41244748-GAC-G.
Other names: c.668-1701_668-1700del (NM_001408431.1, NM_001408424.1, NM_001408421.1); c.785-1701_785-1700del (NM_001408407.1, NM_001408402.1, NM_001408473.1 and 13 more transcripts); c.665-1701_665-1700del (NM_001408443.1, NM_001408439.1, NM_001408425.1 and 12 more transcripts); c.671-1701_671-1700del (NM_001408419.1, NM_001408422.1, NM_001408418.1 and 2 more transcripts); c.788-1701_788-1700del (NM_001408403.1, NM_001407983.1, NM_001407975.1 and 17 more transcripts); c.791-1710_791-1709del (NM_001408406.1); c.647-1701_647-1700del (NM_001408456.1, NM_001408410.1, NM_001408458.1 and 11 more transcripts); c.644-1701_644-1700del (NM_001408465.1, NM_001408463.1, NM_001408462.1 and 3 more transcripts); and 41 more; short protein forms G933fs, G886fs, G805fs, G806fs, G822fs, G845fs, G863fs, G885fs.
Identifiers: ClinVar variation 54682 (VCV000054682.3), dbSNP rs397509011, ClinGen allele CA001833.